The following is an entry in ClinVar:

NM_003327.4(TNFRSF4):c.1A>T (p.Met1Leu)

Gene: TNFRSF4 (TNF receptor superfamily member 4; minus strand). Cytogenetic location: 1p36.33.
Variant type: single nucleotide variant.
Coding change: c.1A>T on transcript NM_003327.4 (MANE Select); coding-DNA position 1, A replaced by T.
Protein change: p.Met1Leu; changes the start codon (methionine 1).
Molecular consequence: missense variant, initiator codon variant.
Genome position (GRCh38, 1-based): chr1:1,214,127, T>A on the plus strand (A>T on the coding strand, the complement: TNFRSF4 is on the minus strand). VCF-style: chr1-1214127-T-A. GRCh37 (hg19) VCF-style: chr1-1149507-T-A.
Other names: short protein forms M1L.
Identifiers: ClinVar variation 1468570 (VCV001468570.6), dbSNP rs2100957059, ClinGen allele CA337803339.

ClinVar aggregate classification (germline): Uncertain significance (1 of 4 stars; one submission).

Conditions:
Combined immunodeficiency due to OX40 deficiency. Also called: OX40 DEFICIENCY; Immunodeficiency 16. Identifiers: Orphanet 431149, MedGen C3810053, MONDO:0014268, OMIM 615593.

Allele frequency attached by ClinVar (database versions not stated): gnomAD exomes below 0.00001.

Submission:

Labcorp Genetics (formerly Invitae), Labcorp
Classification: Uncertain significance for Combined immunodeficiency due to OX40 deficiency. Last evaluated: 2021-10-08. Review status: criteria provided, single submitter. Criteria: Invitae Variant Classification Sherloc (09022015). Collection method: clinical testing. Allele origin: germline.
Comment: In summary, the available evidence is currently insufficient to determine the role of this variant in disease. Therefore, it has been classified as a Variant of Uncertain Significance. Experimental studies and prediction algorithms are not available or were not evaluated, and the functional significance of this variant is currently unknown. This variant has not been reported in the literature in individuals affected with TNFRSF4-related conditions. This variant is not present in population databases (ExAC no frequency). This sequence change affects the initiator methionine of the TNFRSF4 mRNA. The next in-frame methionine is located at codon 52.